The following is an entry in ClinVar:

NM_001374353.1(GLI2):c.2243-6C>A

Gene: GLI2 (GLI family zinc finger 2; plus strand). Cytogenetic location: 2q14.2.
Variant type: single nucleotide variant.
Coding change: c.2243-6C>A on transcript NM_001374353.1 (MANE Select); 6 bases into the intron before coding-DNA position 2243, C replaced by A.
Molecular consequence: intron variant.
Genome position (GRCh38, 1-based): chr2:120,988,202, C>A. VCF-style: chr2-120988202-C-A. GRCh37 (hg19) VCF-style: chr2-121745778-C-A.
Other names: c.2294-6C>A (NM_001371271.1, NM_005270.5); c.1868-6C>A (NM_001374354.1).
Identifiers: ClinVar variation 449167 (VCV000449167.1), dbSNP rs1553478404, ClinGen allele CA658657058.

ClinVar aggregate classification (germline): Likely benign (1 of 4 stars; one submission).

Submission:

GeneDx
Classification: Likely benign. Last evaluated: 2017-08-15. Review status: criteria provided, single submitter. Criteria: GeneDx Variant Classification (06012015). Collection method: clinical testing. Allele origin: germline. Affected: yes.
Comment: This variant is considered likely benign or benign based on one or more of the following criteria: it is a conservative change, it occurs at a poorly conserved position in the protein, it is predicted to be benign by multiple in silico algorithms, and/or has population frequency not consistent with disease.